The following is an entry in ClinVar:

NM_201596.3(CACNB2):c.426C>G (p.Phe142Leu)

Gene: CACNB2 (calcium voltage-gated channel auxiliary subunit beta 2; plus strand). Cytogenetic location: 10p12.31.
Variant type: single nucleotide variant.
Coding change: c.426C>G on transcript NM_201596.3 (MANE Select); coding-DNA position 426, C replaced by G.
Protein change: p.Phe142Leu; replaces phenylalanine 142 with leucine.
Molecular consequence: missense variant.
Genome position (GRCh38, 1-based): chr10:18,498,447, C>G. VCF-style: chr10-18498447-C-G. GRCh37 (hg19) VCF-style: chr10-18787376-C-G.
Other names: c.261C>G, p.Phe87Leu (NM_000724.4, NM_001330060.2); c.342C>G, p.Phe114Leu (NM_001167945.2, NM_201571.4, NM_201572.4); c.282C>G, p.Phe94Leu (NM_001410882.1, NM_201570.3); c.264C>G, p.Phe88Leu (NM_201590.3); c.426C>G, p.Phe142Leu (NM_201593.3, NM_201597.3); short protein forms F114L, F142L, F87L, F88L, F94L.
Identifiers: ClinVar variation 4868125 (VCV004868125.1).

ClinVar aggregate classification (germline): Uncertain significance (1 of 4 stars; one submission).

Conditions:
Cardiovascular phenotype. Identifiers: MedGen CN230736.

gnomAD v4.1: 1 of 1,613,950 alleles (0.000062%); highest among the groups gnomAD compares: East Asian, 0.0022%; no homozygotes.

Submission:

Ambry Genetics
Classification: Uncertain significance for Cardiovascular phenotype. Last evaluated: 2026-04-23. Review status: criteria provided, single submitter. Criteria: Ambry Variant Classification Scheme 2023. Collection method: clinical testing. Allele origin: germline.
Comment: The p.F88L variant (also known as c.264C>G), located in coding exon 3 of the CACNB2 gene, results from a C to G substitution at nucleotide position 264. The phenylalanine at codon 88 is replaced by leucine, an amino acid with highly similar properties. This amino acid position is conserved. In addition, this alteration is predicted to be deleterious by in silico analysis. Based on the available evidence, the clinical significance of this variant remains unclear.